The following is an entry in ClinVar:

ClinVar aggregate classification (germline): Uncertain significance (1 of 4 stars; one submission).

Conditions:
Mitochondrial DNA depletion syndrome 13. Also called: FBXL4-Related Encephalomyopathic Mitochondrial DNA Depletion Syndrome; Mitochondrial DNA depletion syndrome 13 (encephalomyopathic type). Identifiers: Orphanet 369897, MedGen C3809592, MONDO:0014198, OMIM 615471.

Allele frequency attached by ClinVar (database versions not stated): gnomAD exomes below 0.00001 and 0.00001; ExAC 0.00001; gnomAD 0.00001; 1000 Genomes Project 30x 0.00016; 1000 Genomes Project 0.00020.

Submission:

Wong Mito Lab, Molecular and Human Genetics, Baylor College of Medicine
Classification: Uncertain significance for Mitochondrial DNA depletion syndrome 13. Last evaluated: 2017-08-10. Review status: criteria provided, single submitter. Criteria: ACMG Guidelines, 2015. Collection method: reference population. Allele origin: germline.
Comment: The NM_012160.4:c.1370G>A (NP_036292.2:p.Ser457Asn) [GRCH38: NC_000006.12:g.98880572C>T] variant in FBXL4 gene is interpretated to be a Uncertain Significance - Conflicting Evidence based on ACMG guidelines (PMID: 25741868). This variant meets one or more of the following evidence codes reported in the ACMG-guideline. PM2:This variant is absent in key population databases. BP4:Computational evidence/predictors indicate no impact on the FBXL4 structure, function, or protein-protein interaction. Based on this evidence code ClinGen Pathogenicity Calculator (PMID:28081714) suggested that the variant is Uncertain Significance - Conflicting Evidence.

NM_001278716.2(FBXL4):c.1370G>A (p.Ser457Asn)

Gene: FBXL4 (F-box and leucine rich repeat protein 4; minus strand). Cytogenetic location: 6q16.1.
Variant type: single nucleotide variant.
Coding change: c.1370G>A on transcript NM_001278716.2 (MANE Select); coding-DNA position 1370, G replaced by A.
Protein change: p.Ser457Asn; replaces serine 457 with asparagine.
Molecular consequence: missense variant. On other transcripts: non-coding transcript variant (1).
Genome position (GRCh38, 1-based): chr6:98,880,572, C>T on the plus strand (G>A on the coding strand, the complement: FBXL4 is on the minus strand). VCF-style: chr6-98880572-C-T. GRCh37 (hg19) VCF-style: chr6-99328448-C-T.
Other names: c.1370G>A, p.Ser457Asn (NM_012160.5); short protein forms S457N.
Identifiers: ClinVar variation 437742 (VCV000437742.1), dbSNP rs556983043, ClinGen allele CA3933465.